The following is an entry in ClinVar:

ClinVar aggregate classification (germline): Uncertain significance (1 of 4 stars; one submission).

Allele frequency attached by ClinVar (database versions not stated): gnomAD 0.00001 and 0.00002; gnomAD exomes 0.00002; TOPMed 0.00003.
gnomAD v4.1: 33 of 1,613,892 alleles (0.002%); highest among the groups gnomAD compares: Admixed American, 0.015%; no homozygotes.

Submission:

Labcorp Genetics (formerly Invitae), Labcorp
Classification: Uncertain significance. Last evaluated: 2024-10-21. Review status: criteria provided, single submitter. Criteria: Invitae Variant Classification Sherloc (09022015). Collection method: clinical testing. Allele origin: germline.
Comment: This sequence change replaces arginine, which is basic and polar, with glutamine, which is neutral and polar, at codon 729 of the HYOU1 protein (p.Arg729Gln). This variant is present in population databases (rs148836750, gnomAD 0.02%). This variant has not been reported in the literature in individuals affected with HYOU1-related conditions. ClinVar contains an entry for this variant (Variation ID: 1507634). An algorithm developed to predict the effect of missense changes on protein structure and function (PolyPhen-2) suggests that this variant is likely to be tolerated. In summary, the available evidence is currently insufficient to determine the role of this variant in disease. Therefore, it has been classified as a Variant of Uncertain Significance.

NM_006389.5(HYOU1):c.2186G>A (p.Arg729Gln)

Gene: HYOU1 (hypoxia up-regulated 1; minus strand). Cytogenetic location: 11q23.3.
Variant type: single nucleotide variant.
Coding change: c.2186G>A on transcript NM_006389.5 (MANE Select); coding-DNA position 2186, G replaced by A.
Protein change: p.Arg729Gln; replaces arginine 729 with glutamine.
Molecular consequence: missense variant.
Genome position (GRCh38, 1-based): chr11:119,048,543, C>T on the plus strand (G>A on the coding strand, the complement: HYOU1 is on the minus strand). VCF-style: chr11-119048543-C-T. GRCh37 (hg19) VCF-style: chr11-118919255-C-T.
Other names: c.2186G>A, p.Arg729Gln (NM_001130991.3); short protein forms R729Q.
Identifiers: ClinVar variation 1507634 (VCV001507634.8), dbSNP rs148836750, ClinGen allele CA229618944.